The following is an entry in ClinVar:

ClinVar aggregate classification (germline): Pathogenic/Likely pathogenic. Review status: criteria provided, multiple submitters, no conflicts (2 of 4 stars). 7 submissions from 7 submitters: Pathogenic (5); Likely pathogenic (1). 1 of the submissions does not count toward it. Last evaluated 2025-04-30.

Conditions:
DGAT1-related disorder. Also called: DGAT1-related condition.
Congenital diarrhea 7 with exudative enteropathy. Also called: Diarrhea 7. Identifiers: Orphanet 329242, MedGen C4014516, MONDO:0014375, OMIM 615863.

Allele frequency attached by ClinVar (database versions not stated): gnomAD exomes 0.00001.

Submissions (7):

Institute of Human Genetics, Heidelberg University
Classification: Pathogenic for Congenital diarrhea 7 with exudative enteropathy. Last evaluated: 2025-04-30. Review status: criteria provided, single submitter. Criteria: ACMG Guidelines, 2015. Collection method: clinical testing. Allele origin: paternal. Affected: yes. Observed: 2 variant alleles.
Comment: PM3_str, PM2_sup, PVS1

3billion
Classification: Pathogenic for Congenital diarrhea 7 with exudative enteropathy. Last evaluated: 2025-03-06. Review status: criteria provided, single submitter. Criteria: ACMG Guidelines, 2015. Collection method: clinical testing. Allele origin: germline. Affected: yes.

GeneDx
Classification: Pathogenic. Last evaluated: 2024-07-15. Review status: criteria provided, single submitter. Criteria: GeneDx Variant Classification Process June 2021. Collection method: clinical testing. Allele origin: germline. Affected: yes.
Comment: Has been reported in the compound heterozygous state with a second variant in a patient with features of DGAT1-related protein-losing enteropathy (PMID: 37908965); Nonsense variant predicted to result in protein truncation or nonsense mediated decay in a gene for which loss of function is a known mechanism of disease; Not observed at significant frequency in large population cohorts (gnomAD); This variant is associated with the following publications: (PMID: Desai[abstract]2021, 37908965)

Labcorp Genetics (formerly Invitae), Labcorp
Classification: Pathogenic. Last evaluated: 2024-01-29. Review status: criteria provided, single submitter. Criteria: Invitae Variant Classification Sherloc (09022015). Collection method: clinical testing. Allele origin: germline.
Comment: This sequence change creates a premature translational stop signal (p.Arg280*) in the DGAT1 gene. It is expected to result in an absent or disrupted protein product. Loss-of-function variants in DGAT1 are known to be pathogenic (PMID: 29604290). This variant is present in population databases (no rsID available, gnomAD 0.001%). This variant has not been reported in the literature in individuals affected with DGAT1-related conditions. ClinVar contains an entry for this variant (Variation ID: 802449). For these reasons, this variant has been classified as Pathogenic.

Mendelics
Classification: Pathogenic for Congenital diarrhea 7 with exudative enteropathy. Last evaluated: 2019-05-28. Review status: criteria provided, single submitter. Criteria: Mendelics Assertion Criteria 2017. Collection method: clinical testing. Allele origin: unknown.

Blueprint Genetics
Classification: Likely pathogenic for DGAT1-related disorders. Last evaluated: 2018-04-18. Review status: criteria provided, single submitter. Criteria: ACMG Guidelines, 2015. Collection method: clinical testing. Allele origin: germline. Affected: yes. Observed: 2 variant alleles.

Department of Pediatrics, ShengJing Hospital of China Medical University
Classification: Likely pathogenic for Congenital diarrhea 7 with exudative enteropathy. Review status: no assertion criteria provided. Collection method: clinical testing. Allele origin: maternal. Inheritance: Autosomal recessive inheritance. Affected: yes. Observed: 1 compound heterozygote. Not counted in ClinVar's aggregate classification.

Literature cited by the submitters: PubMed 29604290 (cited by Labcorp Genetics (formerly Invitae), Labcorp).

NM_012079.6(DGAT1):c.838C>T (p.Arg280Ter)

Gene: DGAT1 (diacylglycerol O-acyltransferase 1; minus strand). Cytogenetic location: 8q24.3.
Variant type: single nucleotide variant.
Coding change: c.838C>T on transcript NM_012079.6 (MANE Select); coding-DNA position 838, C replaced by T.
Protein change: p.Arg280Ter; replaces arginine 280 with a stop codon.
Molecular consequence: nonsense.
Genome position (GRCh38, 1-based): chr8:144,317,931, G>A on the plus strand (C>T on the coding strand, the complement: DGAT1 is on the minus strand). VCF-style: chr8-144317931-G-A. GRCh37 (hg19) VCF-style: chr8-145541594-G-A.
Other names: c.838C>T (NM_012079.5); short protein forms R280*.
Identifiers: ClinVar variation 802449 (VCV000802449.12), dbSNP rs1554847435, ClinGen allele CA372611513.